The following is an entry in ClinVar:

ClinVar aggregate classification (germline): Likely benign. Review status: criteria provided, single submitter (1 of 4 stars). 2 submissions from 2 submitters: Likely benign (1). 1 of the submissions does not count toward it. Last evaluated 2023-12-26.

Conditions:
PCNT-related disorder. Also called: PCNT-related condition.

Allele frequency attached by ClinVar (database versions not stated): gnomAD 0.00001; gnomAD exomes 0.00001; TOPMed 0.00003.
gnomAD v4.1: 10 of 1,613,938 alleles (0.00062%); highest among the groups gnomAD compares: African/African-American, 0.012%; no homozygotes.

Submissions (2):

Labcorp Genetics (formerly Invitae), Labcorp
Classification: Likely benign. Last evaluated: 2023-12-26. Review status: criteria provided, single submitter. Criteria: Invitae Variant Classification Sherloc (09022015). Collection method: clinical testing. Allele origin: germline.

PreventionGenetics, part of Exact Sciences
Classification: Likely benign for PCNT-related condition. Last evaluated: 2024-06-26. Review status: no assertion criteria provided. Collection method: clinical testing. Allele origin: germline. Not counted in ClinVar's aggregate classification.
Comment: This variant is classified as likely benign based on ACMG/AMP sequence variant interpretation guidelines (Richards et al. 2015 PMID: 25741868, with internal and published modifications).

NM_006031.6(PCNT):c.8475G>A (p.Glu2825=)

Gene: PCNT (pericentrin; plus strand). Cytogenetic location: 21q22.3.
Variant type: single nucleotide variant.
Coding change: c.8475G>A on transcript NM_006031.6 (MANE Select); coding-DNA position 8475, G replaced by A.
Protein change: p.Glu2825=; no amino-acid change (glutamic acid 2825 retained).
Molecular consequence: synonymous variant.
Genome position (GRCh38, 1-based): chr21:46,431,939, G>A. VCF-style: chr21-46431939-G-A. GRCh37 (hg19) VCF-style: chr21-47851853-G-A.
Other names: c.8475G>A (NM_006031.5); c.8121G>A, p.Glu2707= (NM_001315529.2).
Identifiers: ClinVar variation 2868336 (VCV002868336.4), dbSNP rs946593672, ClinGen allele CA322016866.